The following is an entry in ClinVar:

NC_000015.9:g.(?_43335393)_(43398220_?)del

Gene: UBR1 (ubiquitin protein ligase E3 component n-recognin 1; minus strand). Cytogenetic location: 15q15.2.
Variant type: Deletion.
Identifiers: ClinVar variation 3243920 (VCV003243920.1).

ClinVar aggregate classification (germline): Pathogenic (1 of 4 stars; one submission).

Submission:

Labcorp Genetics (formerly Invitae), Labcorp
Classification: Pathogenic. Last evaluated: 2023-11-24. Review status: criteria provided, single submitter. Criteria: Invitae Variant Classification Sherloc (09022015). Collection method: clinical testing. Allele origin: unknown.
Comment: This variant is a gross deletion of the genomic region encompassing exon(s) 1-15 of the UBR1 gene, which includes the initiator codon. This deletion extends beyond the assayed region for this gene and therefore may encompass additional genes. It is expected to result in an absent or disrupted protein product. Loss-of-function variants in UBR1 are known to be pathogenic (PMID: 24599544). This variant has not been reported in the literature in individuals affected with UBR1-related conditions. For these reasons, this variant has been classified as Pathogenic.

Literature cited by the submitters: PubMed 24599544.